The following is an entry in ClinVar:

ClinVar aggregate classification (germline): Uncertain significance (1 of 4 stars; one submission).

Submission:

Ambry Genetics
Classification: Uncertain significance. Last evaluated: 2025-10-03. Review status: criteria provided, single submitter. Criteria: Ambry Variant Classification Scheme 2023. Collection method: clinical testing. Allele origin: germline.
Comment: The p.T25M variant (also known as c.74C>T), located in coding exon 1 of the FAM175A gene, results from a C to T substitution at nucleotide position 74. The threonine at codon 25 is replaced by methionine, an amino acid with similar properties. This amino acid position is conserved. In addition, this alteration is predicted to be tolerated by in silico analysis. Based on the available evidence, the clinical significance of this variant remains unclear.

NM_139076.3(ABRAXAS1):c.74C>T (p.Thr25Met)

Genes: ABRAXAS1 (abraxas 1, BRCA1 A complex subunit; minus strand), LOC129992784 (ATAC-STARR-seq lymphoblastoid silent region 15542; plus strand). Cytogenetic location: 4q21.23.
Variant type: single nucleotide variant.
Coding change: c.74C>T on transcript NM_139076.3 (MANE Select); coding-DNA position 74, C replaced by T.
Protein change: p.Thr25Met; replaces threonine 25 with methionine.
Molecular consequence: missense variant. On other transcripts: 5 prime UTR variant (1).
Genome position (GRCh38, 1-based): chr4:83,484,999, G>A on the plus strand (C>T on the coding strand, the complement: ABRAXAS1 is on the minus strand). VCF-style: chr4-83484999-G-A. GRCh37 (hg19) VCF-style: chr4-84406152-G-A.
Other names: c.-187C>T (NM_001345962.2); short protein forms T25M.
Identifiers: ClinVar variation 4636469 (VCV004636469.1).
Genomic context (GRCh38, chr4:83,484,999, plus strand): 5'-GGGCTCTTCCCAGGCGACGCCGGACCCCGCCCCGTCCCTCGGCTCACCGTGTCCGAGTCC[G>A]TGTTGAGGTGCTGGAAAGCGAGTGCGCCGAGCACAAAGCCCGAGAGCACCGCCGACGTAC-3'
Protein context (NP_620775.2, residues 15-35): LGALAFQHLN[Thr25Met]DSDTEGFLLG